The following is an entry in ClinVar:

ClinVar aggregate classification (germline): Uncertain significance (1 of 4 stars; one submission).

Conditions:
Myofibrillar myopathy 6. Identifiers: Orphanet 199340, MedGen C2751831, MONDO:0013061, OMIM 612954.
Dilated cardiomyopathy 1HH (CMD1HH). Identifiers: Orphanet 154, MedGen C3151293, MONDO:0013479, OMIM 613881.

Submission:

Labcorp Genetics (formerly Invitae), Labcorp
Classification: Uncertain significance for Dilated cardiomyopathy 1HH; Myofibrillar myopathy 6. Last evaluated: 2024-10-06. Review status: criteria provided, single submitter. Criteria: Invitae Variant Classification Sherloc (09022015). Collection method: clinical testing. Allele origin: germline.
Comment: This sequence change replaces glutamic acid, which is acidic and polar, with lysine, which is basic and polar, at codon 322 of the BAG3 protein (p.Glu322Lys). This variant is not present in population databases (gnomAD no frequency). This variant has not been reported in the literature in individuals affected with BAG3-related conditions. Invitae Evidence Modeling of protein sequence and biophysical properties (such as structural, functional, and spatial information, amino acid conservation, physicochemical variation, residue mobility, and thermodynamic stability) indicates that this missense variant is not expected to disrupt BAG3 protein function with a negative predictive value of 80%. In summary, the available evidence is currently insufficient to determine the role of this variant in disease. Therefore, it has been classified as a Variant of Uncertain Significance.

NM_004281.4(BAG3):c.964G>A (p.Glu322Lys)

Gene: BAG3 (BAG cochaperone 3; plus strand). Cytogenetic location: 10q26.11.
Variant type: single nucleotide variant.
Coding change: c.964G>A on transcript NM_004281.4 (MANE Select); coding-DNA position 964, G replaced by A.
Protein change: p.Glu322Lys; replaces glutamic acid 322 with lysine.
Molecular consequence: missense variant.
Genome position (GRCh38, 1-based): chr10:119,676,518, G>A. VCF-style: chr10-119676518-G-A. GRCh37 (hg19) VCF-style: chr10-121436030-G-A.
Other names: short protein forms E322K.
Identifiers: ClinVar variation 3751309 (VCV003751309.2).
Genomic context (GRCh38, chr10:119,676,518, plus strand): 5'-TTTCAGCAGCCCATGACCCATCGAGAAACTGCACCTGTTTCCCAGCCTGAAAACAAACCA[G>A]AAAGTAAGCCAGGCCCAGTTGGACCAGAACTCCCTCCTGGACACATCCCAATTCAAGTGA-3'
Protein context (NP_004272.2, residues 312-332): APVSQPENKP[Glu322Lys]SKPGPVGPEL